The following is an entry in ClinVar:

ClinVar aggregate classification (germline): Uncertain significance. Review status: criteria provided, multiple submitters, no conflicts (2 of 4 stars). 2 submissions from 2 submitters: Uncertain significance (2). Last evaluated 2024-12-16.

Conditions:
Inborn genetic diseases. Identifiers: MedGen C0950123, MeSH D030342.

gnomAD v4.1: 1 of 1,610,500 alleles (0.000062%); highest among the groups gnomAD compares: Non-Finnish European, 0.000085%; no homozygotes.

Submissions (2):

Ambry Genetics
Classification: Uncertain significance for Inborn genetic diseases. Last evaluated: 2024-12-16. Review status: criteria provided, single submitter. Criteria: Ambry Variant Classification Scheme 2023. Collection method: clinical testing. Allele origin: germline.
Comment: The p.R1910M variant (also known as c.5729G>T), located in coding exon 22 of the FANCM gene, results from a G to T substitution at nucleotide position 5729. The arginine at codon 1910 is replaced by methionine, an amino acid with similar properties. This amino acid position is conserved. In addition, this alteration is predicted to be tolerated by in silico analysis. Based on the available evidence, the clinical significance of this variant remains unclear.

GeneDx
Classification: Uncertain significance. Last evaluated: 2024-03-20. Review status: criteria provided, single submitter. Criteria: GeneDx Variant Classification Process June 2021. Collection method: clinical testing. Allele origin: germline. Affected: yes.
Comment: Not observed at significant frequency in large population cohorts (gnomAD); In silico analysis supports that this missense variant has a deleterious effect on protein structure/function; Has not been previously published as pathogenic or benign to our knowledge

NM_020937.4(FANCM):c.5729G>T (p.Arg1910Met)

Gene: FANCM (FA complementation group M; plus strand). Cytogenetic location: 14q21.2.
Variant type: single nucleotide variant.
Coding change: c.5729G>T on transcript NM_020937.4 (MANE Select); coding-DNA position 5729, G replaced by T.
Protein change: p.Arg1910Met; replaces arginine 1910 with methionine.
Molecular consequence: missense variant.
Genome position (GRCh38, 1-based): chr14:45,198,656, G>T. VCF-style: chr14-45198656-G-T. GRCh37 (hg19) VCF-style: chr14-45667859-G-T.
Other names: c.5651G>T, p.Arg1884Met (NM_001308133.2); short protein forms R1884M, R1910M.
Identifiers: ClinVar variation 3371283 (VCV003371283.2).